The following is an entry in ClinVar:

NM_000488.4(SERPINC1):c.1277C>T (p.Ser426Leu)

Gene: SERPINC1 (serpin family C member 1; minus strand). Cytogenetic location: 1q25.1.
Variant type: single nucleotide variant.
Coding change: c.1277C>T on transcript NM_000488.4 (MANE Select); coding-DNA position 1277, C replaced by T.
Protein change: p.Ser426Leu; replaces serine 426 with leucine.
Molecular consequence: missense variant.
Genome position (GRCh38, 1-based): chr1:173,904,007, G>A on the plus strand (C>T on the coding strand, the complement: SERPINC1 is on the minus strand). VCF-style: chr1-173904007-G-A. GRCh37 (hg19) VCF-style: chr1-173873145-G-A.
Other names: S394L; NM_000488.4(SERPINC1):c.1277C>T; c.1133C>T, p.Ser378Leu (NM_001365052.2); c.1400C>T, p.Ser467Leu (NM_001386302.1); c.1358C>T, p.Ser453Leu (NM_001386303.1); c.1256C>T, p.Ser419Leu (NM_001386304.1); c.1220C>T, p.Ser407Leu (NM_001386305.1); c.1061C>T, p.Ser354Leu (NM_001386306.1); short protein forms S426L, S378L, S354L, S407L, S419L, S453L, S467L.
Identifiers: ClinVar variation 18010 (VCV000018010.9), dbSNP rs121909550, ClinGen allele CA210754.

ClinVar aggregate classification (germline): Pathogenic. Review status: reviewed by expert panel (3 of 4 stars). 3 submissions from 3 submitters: Pathogenic (1). 2 of the submissions do not count toward it. Last evaluated 2024-09-21.

Conditions:
Hereditary antithrombin deficiency (AT3D). Also called: Antithrombin III deficiency; Thrombophilia due to antithrombin III deficiency; Reduced antithrombin III activity; Antithrombin deficiency. Identifiers: Orphanet 82, MedGen C0272375, MONDO:0013144, OMIM 613118, HP:0001976.

Allele frequency attached by ClinVar (database versions not stated): gnomAD exomes below 0.00001.
gnomAD v4.1: 2 of 1,614,024 alleles (0.00012%); highest among the groups gnomAD compares: African/African-American, 0.0013%; no homozygotes.

Submissions (3):

Clingen Thrombosis Variant Curation Expert Panel, ClinGen
Classification: Pathogenic for Hereditary antithrombin deficiency. Last evaluated: 2024-09-21. Review status: reviewed by expert panel. Criteria: ClinGen ACMG Specifications SERPINC1 V1.0.0. Collection method: curation. Allele origin: germline. Inheritance: Autosomal dominant inheritance.
Comment: The NM_000488.4(SERPINC1):c.1277C>T variant predicts a missense change from Serine to Leucine at position 426. Several probands and related individuals are reported in the literature with antithrombin deficiency and the Ser426Leu variant, meeting criteria for PS4 and PP4 (PMID: 34800304, 36093136, 3563966, 28300866, 30721820). The variant was seen across a total of 8 meioses amongst 3 families meeting PP1_Strong (PMID: 30721820, 3512602, 3563966). The variant was shown to impair complex formation with thrombin when the variant was expressed in rabbit reticulocytes (PMID: 2207328). The variant is absent in gnomAD (v2.1.1 and v3.1.1) meeting PM2_Supporting. It has a REVEL score of 0.88, which meets the PP3 set threshold (>0.6). In summary, this variant meets criteria to be classified as pathogenic. ACMG/AMP criteria applied, as specified by the Thrombosis Variant Curation Expert Panel: PS4, PP1_Strong, PP3, PP4, PS3_Supporting, PM2_Supporting.

Labcorp Genetics (formerly Invitae), Labcorp
Classification: Likely pathogenic for Hereditary antithrombin deficiency. Last evaluated: 2021-04-24. Review status: criteria provided, single submitter. Criteria: Invitae Variant Classification Sherloc (09022015). Collection method: clinical testing. Allele origin: germline. Not counted in ClinVar's aggregate classification.
Comment: In summary, the currently available evidence indicates that the variant is pathogenic, but additional data are needed to prove that conclusively. Therefore, this variant has been classified as Likely Pathogenic. Experimental studies have shown that this variant affects SERPINC1 protein function (PMID: 3141397). This variant has been observed in individual(s) with clinical features of antithrombin III deficiency (PMID: 3512602, 2602168, 3563966, 18954896, 20088933, 25298121). It has also been observed to segregate with disease in related individuals. This variant is also known as Milano 2, Denver, and S394L in the literature. ClinVar contains an entry for this variant (Variation ID: 18010). This variant is not present in population databases (ExAC no frequency). This sequence change replaces serine with leucine at codon 426 of the SERPINC1 protein (p.Ser426Leu). The serine residue is highly conserved and there is a large physicochemical difference between serine and leucine.

OMIM
Classification: Pathogenic for THROMBOPHILIA DUE TO ANTITHROMBIN III DEFICIENCY. Last evaluated: 1992-04-06. Review status: no assertion criteria provided. Collection method: literature only. Allele origin: germline. Not counted in ClinVar's aggregate classification.

Literature cited by the submitters: PubMed 3141397 (cited by Labcorp Genetics (formerly Invitae), Labcorp and OMIM); PubMed 3512602 (cited by Labcorp Genetics (formerly Invitae), Labcorp and OMIM); PubMed 2602168 (cited by Labcorp Genetics (formerly Invitae), Labcorp); PubMed 3563966 (cited by Labcorp Genetics (formerly Invitae), Labcorp); PubMed 18954896 (cited by Labcorp Genetics (formerly Invitae), Labcorp); PubMed 20088933 (cited by Labcorp Genetics (formerly Invitae), Labcorp); PubMed 25298121 (cited by Labcorp Genetics (formerly Invitae), Labcorp); PubMed 3805013 (cited by OMIM); PubMed 1555650 (cited by OMIM).